The following is an entry in ClinVar:

ClinVar aggregate classification (germline): Uncertain significance (1 of 4 stars; one submission).

Submission:

Labcorp Genetics (formerly Invitae), Labcorp
Classification: Uncertain significance. Last evaluated: 2025-12-07. Review status: criteria provided, single submitter. Criteria: Invitae Variant Classification Sherloc (09022015). Collection method: clinical testing. Allele origin: germline.
Comment: This sequence change falls in intron 3 of the UROD gene. It does not directly change the encoded amino acid sequence of the UROD protein. It affects a nucleotide within the consensus splice site. This variant is present in population databases (rs780540144, gnomAD 0.02%). This variant has not been reported in the literature in individuals affected with UROD-related conditions. Variants that disrupt the consensus splice site are a relatively common cause of aberrant splicing (PMID: 17576681, 9536098). Algorithms developed to predict the effect of sequence changes on RNA splicing suggest that this variant is not likely to affect RNA splicing. In summary, the available evidence is currently insufficient to determine the role of this variant in disease. Therefore, it has been classified as a Variant of Uncertain Significance.

Literature cited by the submitters: PubMed 17576681; PubMed 9536098.

NM_000374.5(UROD):c.214-3C>T

Gene: UROD (uroporphyrinogen decarboxylase; plus strand). Cytogenetic location: 1p34.1.
Variant type: single nucleotide variant.
Coding change: c.214-3C>T on transcript NM_000374.5 (MANE Select); 3 bases into the intron before coding-DNA position 214, C replaced by T.
Molecular consequence: intron variant.
Genome position (GRCh38, 1-based): chr1:45,013,289, C>T. VCF-style: chr1-45013289-C-T. GRCh37 (hg19) VCF-style: chr1-45478961-C-T.
Identifiers: ClinVar variation 4699214 (VCV004699214.1).